The following is an entry in ClinVar:

ClinVar aggregate classification (germline): Uncertain significance (1 of 4 stars; one submission).

gnomAD v4.1: 5 of 1,613,498 alleles (0.00031%); highest among the groups gnomAD compares: Non-Finnish European, 0.00042%; no homozygotes.

Submission:

GeneDx
Classification: Uncertain significance. Last evaluated: 2024-01-08. Review status: criteria provided, single submitter. Criteria: GeneDx Variant Classification Process June 2021. Collection method: clinical testing. Allele origin: germline. Affected: yes.
Comment: Not observed at significant frequency in large population cohorts (gnomAD); In silico analysis supports that this missense variant does not alter protein structure/function; Has not been previously published as pathogenic or benign to our knowledge

NM_000324.3(RHAG):c.1078A>G (p.Met360Val)

Gene: RHAG (Rh associated glycoprotein; minus strand). Cytogenetic location: 6p12.3.
Variant type: single nucleotide variant.
Coding change: c.1078A>G on transcript NM_000324.3 (MANE Select); coding-DNA position 1078, A replaced by G.
Protein change: p.Met360Val; replaces methionine 360 with valine.
Molecular consequence: missense variant.
Genome position (GRCh38, 1-based): chr6:49,607,210, T>C on the plus strand (A>G on the coding strand, the complement: RHAG is on the minus strand). VCF-style: chr6-49607210-T-C. GRCh37 (hg19) VCF-style: chr6-49574923-T-C.
Other names: short protein forms M360V.
Identifiers: ClinVar variation 3367612 (VCV003367612.1).